The following is an entry in ClinVar:

ClinVar aggregate classification (germline): Uncertain significance. Review status: criteria provided, multiple submitters, no conflicts (2 of 4 stars). 4 submissions from 4 submitters: Uncertain significance (3). 1 of the submissions does not count toward it. Last evaluated 2024-09-30.

Conditions:
Hereditary cancer-predisposing syndrome. Also called: Neoplastic Syndromes, Hereditary; Tumor predisposition; Hereditary neoplastic syndrome; Hereditary Cancer Syndrome. Identifiers: Orphanet 140162, MedGen C0027672, MeSH D009386, MONDO:0015356.
Hereditary breast ovarian cancer syndrome. Also called: Hereditary breast and ovarian cancer syndrome; Hereditary breast and ovarian cancer; Hereditary breast and ovarian cancer syndrome (HBOC); Breast and ovarian cancer; Hereditary breast and/or ovarian cancer syndrome; BRCA1- and BRCA2-Associated Hereditary Breast and Ovarian Cancer. Identifiers: Orphanet 145, MedGen C0677776, MeSH D061325, MONDO:0003582. Disease mechanism: loss of function.
Breast-ovarian cancer, familial, susceptibility to, 2 (BROVCA2). Also called: BRCA2 Hereditary Breast and Ovarian Cancer. Identifiers: Orphanet 145, MedGen C2675520, MONDO:0012933, OMIM 612555. Disease mechanism: loss of function.

Submissions (4):

Ambry Genetics
Classification: Uncertain significance for Hereditary cancer-predisposing syndrome. Last evaluated: 2024-09-30. Review status: criteria provided, single submitter. Criteria: Ambry Variant Classification Scheme 2023. Collection method: clinical testing. Allele origin: germline.
Comment: The p.D244N variant (also known as c.730G>A), located in coding exon 8 of the BRCA2 gene, results from a G to A substitution at nucleotide position 730. The aspartic acid at codon 244 is replaced by asparagine, an amino acid with highly similar properties. This alteration has been described in multiple individuals diagnosed with breast and/or ovarian cancer (Peixoto A et al. Fam. Cancer 2006; 5:379-87, Salazar R et al. Cancer Lett. 2006; 233:172-7; Delgado L et al. Breast Cancer Res Treat, 2011 Jul;128:211-8). Of note, this alteration is also known as 958G/A in published literature. This amino acid position is not well conserved in available vertebrate species. In addition, this alteration is predicted to be tolerated by in silico analysis. Based on the available evidence, the clinical significance of this variant remains unclear.

Color Diagnostics, LLC DBA Color Health
Classification: Uncertain significance for Hereditary cancer-predisposing syndrome. Last evaluated: 2022-03-29. Review status: criteria provided, single submitter. Criteria: ACMG Guidelines, 2015. Collection method: clinical testing. Allele origin: germline.
Comment: This missense variant replaces aspartic acid with asparagine at codon 244 of the BRCA2 protein. Computational prediction suggests that this variant may not impact protein structure and function (internally defined REVEL score threshold <= 0.5, PMID: 27666373). To our knowledge, functional studies have not been reported for this variant. This variant has been reported in individuals affected with breast cancer in the literature (PMID: 15876480, 16826315, 21190077). This variant has not been identified in the general population by the Genome Aggregation Database (gnomAD). The available evidence is insufficient to determine the role of this variant in disease conclusively. Therefore, this variant is classified as a Variant of Uncertain Significance.

Labcorp Genetics (formerly Invitae), Labcorp
Classification: Uncertain significance for Hereditary breast ovarian cancer syndrome. Last evaluated: 2019-10-22. Review status: criteria provided, single submitter. Criteria: Invitae Variant Classification Sherloc (09022015). Collection method: clinical testing. Allele origin: germline.
Comment: In summary, the available evidence is currently insufficient to determine the role of this variant in disease. Therefore, it has been classified as a Variant of Uncertain Significance. Algorithms developed to predict the effect of missense changes on protein structure and function output the following: SIFT: "Tolerated"; PolyPhen-2: "Benign"; Align-GVGD: "Class C0". The asparagine amino acid residue is found in multiple mammalian species, suggesting that this missense change does not adversely affect protein function. These predictions have not been confirmed by published functional studies and their clinical significance is uncertain. This variant has been observed in individuals affected with breast cancer (PMID: 15876480, 16826315). This variant is also known as 958G>A in the literature. ClinVar contains an entry for this variant (Variation ID: 52307). This variant is not present in population databases (ExAC no frequency). This sequence change replaces aspartic acid with asparagine at codon 244 of the BRCA2 protein (p.Asp244Asn). The aspartic acid residue is moderately conserved and there is a small physicochemical difference between aspartic acid and asparagine.

Breast Cancer Information Core (BIC) (BRCA2)
Classification: Uncertain significance for Breast-ovarian cancer, familial 2. Last evaluated: 2002-11-27. Review status: no assertion criteria provided. Collection method: clinical testing. Allele origin: germline. Affected: yes. Observed: 1 variant allele. Not counted in ClinVar's aggregate classification.

Literature cited by the submitters: PubMed 15876480 (cited by 3 submitters); PubMed 16826315 (cited by 3 submitters); PubMed 21190077 (cited by Ambry Genetics and Color Diagnostics, LLC DBA Color Health); PubMed 22505045 (cited by Ambry Genetics); PubMed 24916970 (cited by Ambry Genetics).

NM_000059.4(BRCA2):c.730G>A (p.Asp244Asn)

Gene: BRCA2 (BRCA2 DNA repair associated; plus strand). Cytogenetic location: 13q13.1.
Variant type: single nucleotide variant.
Coding change: c.730G>A on transcript NM_000059.4 (MANE Select); coding-DNA position 730, G replaced by A.
Protein change: p.Asp244Asn; replaces aspartic acid 244 with asparagine.
Molecular consequence: missense variant.
Genome position (GRCh38, 1-based): chr13:32,330,967, G>A. VCF-style: chr13-32330967-G-A. GRCh37 (hg19) VCF-style: chr13-32905104-G-A.
Other names: short protein forms D244N.
Identifiers: ClinVar variation 52307 (VCV000052307.19), dbSNP rs80358956, ClinGen allele CA025025.
Genomic context (GRCh38, chr13:32,330,967, plus strand): 5'-TAATTTTTGCAGAATGTGAAAAGCTATTTTTCCAATCATGATGAAAGTCTGAAGAAAAAT[G>A]ATAGATTTATCGCTTCTGTGACAGACAGTGAAAACACAAATCAAAGAGAAGCTGCAAGTC-3'
Protein context (NP_000050.3, residues 234-254): SNHDESLKKN[Asp244Asn]RFIASVTDSE